The following is an entry in ClinVar:

NM_007244.3(PRR4):c.287G>A (p.Arg96Gln)

Genes: PRH1-PRR4 (PRH1-PRR4 readthrough; minus strand), PRR4 (proline rich 4; minus strand). Cytogenetic location: 12p13.2.
Variant type: single nucleotide variant.
Coding change: c.287G>A on transcript NM_007244.3 (MANE Select); coding-DNA position 287, G replaced by A.
Protein change: p.Arg96Gln; replaces arginine 96 with glutamine.
Molecular consequence: missense variant. On other transcripts: non-coding transcript variant (1), intron variant (1).
Genome position (GRCh38, 1-based): chr12:10,847,181, C>T on the plus strand (G>A on the coding strand, the complement: PRR4 is on the minus strand). VCF-style: chr12-10847181-C-T. GRCh37 (hg19) VCF-style: chr12-10999780-C-T.
Other names: c.101-46G>A (NM_001098538.3); short protein forms R96Q.
Identifiers: ClinVar variation 3060846 (VCV003060846.2), dbSNP rs1063193, ClinGen allele CA6448889.

ClinVar aggregate classification (germline): Benign (0 of 4 stars; one submission).

Conditions:
PRR4-related disorder. Also called: PRR4-related condition.

Allele frequency attached by ClinVar (database versions not stated): ESP Exome Variant Server 0.45839; TOPMed 0.47521; gnomAD 0.48819; 1000 Genomes Project 30x 0.51702; 1000 Genomes Project 0.52177; gnomAD exomes 0.57783; ExAC 0.58971.
gnomAD v4.1: 918,413 of 1,612,768 alleles (57%); highest among the groups gnomAD compares: East Asian, 73%; 268,556 homozygotes.

Submission:

PreventionGenetics, part of Exact Sciences
Classification: Benign for PRR4-related condition. Last evaluated: 2019-10-17. Review status: no assertion criteria provided. Collection method: clinical testing. Allele origin: germline.
Comment: This variant is classified as benign based on ACMG/AMP sequence variant interpretation guidelines (Richards et al. 2015 PMID: 25741868, with internal and published modifications).